The following is an entry in ClinVar:

NM_006767.4(LZTR1):c.2168T>C (p.Met723Thr)

Gene: LZTR1 (leucine zipper like post translational regulator 1; plus strand). Cytogenetic location: 22q11.21.
Variant type: single nucleotide variant.
Coding change: c.2168T>C on transcript NM_006767.4 (MANE Select); coding-DNA position 2168, T replaced by C.
Protein change: p.Met723Thr; replaces methionine 723 with threonine.
Molecular consequence: missense variant.
Genome position (GRCh38, 1-based): chr22:20,996,061, T>C. VCF-style: chr22-20996061-T-C. GRCh37 (hg19) VCF-style: chr22-21350350-T-C.
Other names: short protein forms M723T.
Identifiers: ClinVar variation 3365488 (VCV003365488.1).
Genomic context (GRCh38, chr22:20,996,061, plus strand): 5'-ATGGGCAGGTGAACATCTCCATCGGGGAGATGGTGCCCAGCAGGCAGGCCTTCGAGTCCA[T>C]GCTGCGCTACATCTACTACGGCGAGGTCAACATGCCGCCCGAGGACTCGCTGCATCCTCA-3'
Protein context (NP_006758.2, residues 713-733): MVPSRQAFES[Met723Thr]LRYIYYGEVN

ClinVar aggregate classification (germline): Uncertain significance (1 of 4 stars; one submission).

Submission:

GeneDx
Classification: Uncertain significance. Last evaluated: 2023-12-12. Review status: criteria provided, single submitter. Criteria: GeneDx Variant Classification Process June 2021. Collection method: clinical testing. Allele origin: germline. Affected: yes.
Comment: Not observed at significant frequency in large population cohorts (gnomAD); In silico analysis supports that this missense variant has a deleterious effect on protein structure/function; Has not been previously published as pathogenic or benign to our knowledge